The following is an entry in ClinVar:

ClinVar aggregate classification (germline): Uncertain significance (1 of 4 stars; one submission).

Conditions:
Charcot-Marie-Tooth disease type 4. Also called: Charcot-Marie-Tooth, Type 4; Charcot-Marie-Tooth disease, type IV. Identifiers: Orphanet 64749, MedGen C4082197, MONDO:0018995.

Submission:

Labcorp Genetics (formerly Invitae), Labcorp
Classification: Uncertain significance for Charcot-Marie-Tooth disease type 4. Last evaluated: 2024-02-24. Review status: criteria provided, single submitter. Criteria: Invitae Variant Classification Sherloc (09022015). Collection method: clinical testing. Allele origin: germline.
Comment: This sequence change replaces arginine, which is basic and polar, with isoleucine, which is neutral and non-polar, at codon 388 of the FIG4 protein (p.Arg388Ile). This variant is not present in population databases (gnomAD no frequency). This variant has not been reported in the literature in individuals affected with FIG4-related conditions. ClinVar contains an entry for this variant (Variation ID: 1364271). An algorithm developed to predict the effect of missense changes on protein structure and function (PolyPhen-2) suggests that this variant is likely to be disruptive. In summary, the available evidence is currently insufficient to determine the role of this variant in disease. Therefore, it has been classified as a Variant of Uncertain Significance.

NM_014845.6(FIG4):c.1163G>T (p.Arg388Ile)

Gene: FIG4 (FIG4 phosphoinositide 5-phosphatase; plus strand). Cytogenetic location: 6q21.
Variant type: single nucleotide variant.
Coding change: c.1163G>T on transcript NM_014845.6 (MANE Select); coding-DNA position 1163, G replaced by T.
Protein change: p.Arg388Ile; replaces arginine 388 with isoleucine.
Molecular consequence: missense variant.
Genome position (GRCh38, 1-based): chr6:109,760,275, G>T. VCF-style: chr6-109760275-G-T. GRCh37 (hg19) VCF-style: chr6-110081478-G-T.
Other names: short protein forms R388I.
Identifiers: ClinVar variation 1364271 (VCV001364271.8), dbSNP rs2128391017, ClinGen allele CA365225076.